The following is an entry in ClinVar:

NM_004656.4(BAP1):c.1344G>A (p.Leu448=)

Gene: BAP1 (BRCA1 associated deubiquitinase 1; minus strand). Cytogenetic location: 3p21.1.
Variant type: single nucleotide variant.
Coding change: c.1344G>A on transcript NM_004656.4 (MANE Select); coding-DNA position 1344, G replaced by A.
Protein change: p.Leu448=; no amino-acid change (leucine 448 retained).
Molecular consequence: synonymous variant.
Genome position (GRCh38, 1-based): chr3:52,403,801, C>T on the plus strand (G>A on the coding strand, the complement: BAP1 is on the minus strand). VCF-style: chr3-52403801-C-T. GRCh37 (hg19) VCF-style: chr3-52437817-C-T.
Identifiers: ClinVar variation 240046 (VCV000240046.21), dbSNP rs368684241, ClinGen allele CA2436818.

ClinVar aggregate classification (germline): Benign/Likely benign. Review status: criteria provided, multiple submitters, no conflicts (2 of 4 stars). 6 submissions from 6 submitters: Benign (1); Likely benign (4). 1 of the submissions does not count toward it. Last evaluated 2026-01-16.

Conditions:
BAP1-related disorder. Also called: BAP1-related condition.
Hereditary cancer-predisposing syndrome. Also called: Neoplastic Syndromes, Hereditary; Hereditary neoplastic syndrome; Tumor predisposition; Hereditary Cancer Syndrome. Identifiers: Orphanet 140162, MedGen C0027672, MeSH D009386, MONDO:0015356.
BAP1-related tumor predisposition syndrome (TPDS1). Also called: Tumor susceptibility linked to germline BAP1 mutations; BAP1 tumor predisposition syndrome; COMMON Syndrome; TUMOR PREDISPOSITION SYNDROME 1. Identifiers: Orphanet 289539, MedGen C3280492, MONDO:0013692, OMIM 614327.

Allele frequency attached by ClinVar (database versions not stated): gnomAD exomes 0.00001 and 0.00003; ExAC 0.00005; ESP Exome Variant Server 0.00008; gnomAD 0.00011; TOPMed 0.00011.
gnomAD v4.1: 26 of 1,613,980 alleles (0.0016%); highest among the groups gnomAD compares: African/African-American, 0.029%; no homozygotes.

Submissions (6):

Labcorp Genetics (formerly Invitae), Labcorp
Classification: Likely benign for BAP1-related tumor predisposition syndrome. Last evaluated: 2026-01-16. Review status: criteria provided, single submitter. Criteria: Invitae Variant Classification Sherloc (09022015). Collection method: clinical testing. Allele origin: germline.

Myriad Genetics, Inc.
Classification: Benign for BAP1-related tumor predisposition syndrome. Last evaluated: 2024-07-16. Review status: criteria provided, single submitter. Criteria: Myriad Autosomal Dominant, Autosomal Recessive and X-Linked Classification Criteria (2023). Collection method: clinical testing. Allele origin: unknown.
Comment: This variant is considered benign. This variant is a silent/synonymous amino acid change and it is not expected to impact splicing.

GeneDx
Classification: Likely benign. Last evaluated: 2020-07-10. Review status: criteria provided, single submitter. Criteria: GeneDx Variant Classification Process June 2021. Collection method: clinical testing. Allele origin: germline. Affected: yes.

Ambry Genetics
Classification: Likely benign for Hereditary cancer-predisposing syndrome. Last evaluated: 2019-09-10. Review status: criteria provided, single submitter. Criteria: Ambry Variant Classification Scheme 2023. Collection method: clinical testing. Allele origin: germline.

Color Diagnostics, LLC DBA Color Health
Classification: Likely benign for Hereditary cancer-predisposing syndrome. Last evaluated: 2016-06-30. Review status: criteria provided, single submitter. Criteria: ACMG Guidelines, 2015. Collection method: clinical testing. Allele origin: germline.

PreventionGenetics, part of Exact Sciences
Classification: Likely benign for BAP1-related condition. Last evaluated: 2024-04-25. Review status: no assertion criteria provided. Collection method: clinical testing. Allele origin: germline. Not counted in ClinVar's aggregate classification.
Comment: This variant is classified as likely benign based on ACMG/AMP sequence variant interpretation guidelines (Richards et al. 2015 PMID: 25741868, with internal and published modifications).